The following is an entry in ClinVar:

ClinVar aggregate classification (germline): Likely pathogenic (1 of 4 stars; one submission).

Conditions:
Pendred syndrome (PDS). Also called: Pendred's syndrome; DEAFNESS WITH GOITER; Pendred Syndrome (PDS); GOITER-DEAFNESS SYNDROME; HYPOTHYROIDISM, CONGENITAL, DUE TO DYSHORMONOGENESIS, 2B; THYROID DYSHORMONOGENESIS 2B. Identifiers: Orphanet 705, MedGen C0271829, MONDO:0010134, OMIM 274600.

gnomAD v4.1: 3 of 1,614,102 alleles (0.00019%); highest among the groups gnomAD compares: Admixed American, 0.0017%; no homozygotes.

Submission:

Women's Health and Genetics/Laboratory Corporation of America, LabCorp
Classification: Likely pathogenic for Pendred syndrome. Last evaluated: 2024-07-02. Review status: criteria provided, single submitter. Criteria: LabCorp Variant Classification Summary - May 2015. Collection method: clinical testing. Allele origin: germline.
Comment: Variant summary: SLC26A4 c.279T>G (p.Ser93Arg) results in a non-conservative amino acid change located in the SLC26A/SulP transporter domain (IPR011547) of the encoded protein sequence. Five of five in-silico tools predict a damaging effect of the variant on protein function. The variant was absent in 251460 control chromosomes. To our knowledge, no occurrence of c.279T>G in individuals affected with Pendred Syndrome and no experimental evidence demonstrating its impact on protein function have been reported. A different variant with the same amino acid effect, c.279T>A, has been classified as Pathogenic in ClinVar (Variation ID: 1297066). No submitters have cited clinical-significance assessments for this variant to ClinVar. Based on the evidence outlined above, the variant was classified as likely pathogenic.

NM_000441.2(SLC26A4):c.279T>G (p.Ser93Arg)

Gene: SLC26A4 (solute carrier family 26 member 4; plus strand). Cytogenetic location: 7q22.3.
Variant type: single nucleotide variant.
Coding change: c.279T>G on transcript NM_000441.2 (MANE Select); coding-DNA position 279, T replaced by G.
Protein change: p.Ser93Arg; replaces serine 93 with arginine.
Molecular consequence: missense variant.
Genome position (GRCh38, 1-based): chr7:107,663,410, T>G. VCF-style: chr7-107663410-T-G. GRCh37 (hg19) VCF-style: chr7-107303855-T-G.
Other names: short protein forms S93R.
Identifiers: ClinVar variation 3339201 (VCV003339201.1).